The following is an entry in ClinVar:

NM_005876.5(SPEG):c.7966G>C (p.Glu2656Gln)

Genes: ASIC4-AS1 (ASIC4 antisense RNA 1; minus strand), SPEG (striated muscle enriched protein kinase; plus strand). Cytogenetic location: 2q35.
Variant type: single nucleotide variant.
Coding change: c.7966G>C on transcript NM_005876.5 (MANE Select); coding-DNA position 7966, G replaced by C.
Protein change: p.Glu2656Gln; replaces glutamic acid 2656 with glutamine.
Molecular consequence: missense variant.
Genome position (GRCh38, 1-based): chr2:219,488,605, G>C. VCF-style: chr2-219488605-G-C. GRCh37 (hg19) VCF-style: chr2-220353327-G-C.
Other names: short protein forms E2656Q.
Identifiers: ClinVar variation 1447818 (VCV001447818.7), dbSNP rs1415010093, ClinGen allele CA350707536.
Genomic context (GRCh38, chr2:219,488,605, plus strand): 5'-AAAGATGGGCGGCAGCTGCTCAGCATCCCCCGGGCGGGCAAGCGGCACGCCGGTCTCTAT[G>C]AGTGCTCGGCCACCAACGTACTGGGCAGCATCACCAGCTCCTGTACCGTGGCTGTGGCCC-3'
Protein context (NP_005867.3, residues 2646-2666): RAGKRHAGLY[Glu2656Gln]CSATNVLGSI

ClinVar aggregate classification (germline): Uncertain significance (1 of 4 stars; one submission).

Allele frequency attached by ClinVar (database versions not stated): gnomAD exomes below 0.00001; gnomAD 0.00001.
gnomAD v4.1: 6 of 1,612,142 alleles (0.00037%); highest among the groups gnomAD compares: South Asian, 0.0055%; no homozygotes.

Submission:

Labcorp Genetics (formerly Invitae), Labcorp
Classification: Uncertain significance. Last evaluated: 2022-07-26. Review status: criteria provided, single submitter. Criteria: Invitae Variant Classification Sherloc (09022015). Collection method: clinical testing. Allele origin: germline.
Comment: This sequence change replaces glutamic acid, which is acidic and polar, with glutamine, which is neutral and polar, at codon 2656 of the SPEG protein (p.Glu2656Gln). This variant is present in population databases (no rsID available, gnomAD 0.003%). This variant has not been reported in the literature in individuals affected with SPEG-related conditions. ClinVar contains an entry for this variant (Variation ID: 1447818). Algorithms developed to predict the effect of missense changes on protein structure and function are either unavailable or do not agree on the potential impact of this missense change (SIFT: "Deleterious"; PolyPhen-2: "Probably Damaging"; Align-GVGD: "Class C0"). In summary, the available evidence is currently insufficient to determine the role of this variant in disease. Therefore, it has been classified as a Variant of Uncertain Significance.